The following is an entry in ClinVar:

ClinVar aggregate classification (germline): Pathogenic (1 of 4 stars; one submission).

Conditions:
Duchenne muscular dystrophy (DMD). Also called: MUSCULAR DYSTROPHY, PSEUDOHYPERTROPHIC PROGRESSIVE, DUCHENNE TYPE; Duchenne Muscular Dystrophy (DMD). Identifiers: Orphanet 98896, MedGen C0013264, MONDO:0010679, OMIM 310200.

Submission:

Labcorp Genetics (formerly Invitae), Labcorp
Classification: Pathogenic for Duchenne muscular dystrophy. Last evaluated: 2021-08-12. Review status: criteria provided, single submitter. Criteria: Invitae Variant Classification Sherloc (09022015). Collection method: clinical testing. Allele origin: germline.
Comment: This variant is a gross deletion of the genomic region encompassing exon(s) 44-52 of the DMD gene. This deletion is out-of-frame, and is expected to create a premature termination codon and result in an absent or disrupted protein product. Loss-of-function variants in DMD are known to be pathogenic (PMID: 16770791, 25007885). A similar copy number variant has been observed in individuals with Duchenne muscular dystrophy (PMID: 9619643, 21515508). For these reasons, this variant has been classified as Pathogenic.

Literature cited by the submitters: PubMed 16770791; PubMed 25007885; PubMed 9619643; PubMed 21515508.

NC_000023.10:g.(?_31747738)_(32235190_?)del

Gene: DMD (dystrophin; minus strand). Cytogenetic location: Xp21.1.
Variant type: Deletion.
Identifiers: ClinVar variation 1075914 (VCV001075914.7).